The following is an entry in ClinVar:

ClinVar aggregate classification (germline): Uncertain significance (1 of 4 stars; one submission).

Conditions:
Early Myoclonic Encephalopathy. Identifiers: MedGen C0270855.

Allele frequency attached by ClinVar (database versions not stated): gnomAD 0.00001; gnomAD exomes below 0.00001; TOPMed 0.00002.
gnomAD v4.1: 4 of 1,609,074 alleles (0.00025%); highest among the groups gnomAD compares: African/African-American, 0.004%; no homozygotes.

Submission:

Labcorp Genetics (formerly Invitae), Labcorp
Classification: Uncertain significance for Early Myoclonic Encephalopathy. Last evaluated: 2023-10-29. Review status: criteria provided, single submitter. Criteria: Invitae Variant Classification Sherloc (09022015). Collection method: clinical testing. Allele origin: germline.
Comment: This sequence change replaces lysine, which is basic and polar, with arginine, which is basic and polar, at codon 2283 of the JMJD1C protein (p.Lys2283Arg). This variant is present in population databases (no rsID available, gnomAD 0.01%). This variant has not been reported in the literature in individuals affected with JMJD1C-related conditions. Advanced modeling of protein sequence and biophysical properties (such as structural, functional, and spatial information, amino acid conservation, physicochemical variation, residue mobility, and thermodynamic stability) performed at Invitae indicates that this missense variant is not expected to disrupt JMJD1C protein function with a negative predictive value of 80%. In summary, the available evidence is currently insufficient to determine the role of this variant in disease. Therefore, it has been classified as a Variant of Uncertain Significance.

NM_032776.3(JMJD1C):c.6848A>G (p.Lys2283Arg)

Gene: JMJD1C (jumonji domain containing 1C; minus strand). Cytogenetic location: 10q21.3.
Variant type: single nucleotide variant.
Coding change: c.6848A>G on transcript NM_032776.3 (MANE Select); coding-DNA position 6848, A replaced by G.
Protein change: p.Lys2283Arg; replaces lysine 2283 with arginine.
Molecular consequence: missense variant. On other transcripts: non-coding transcript variant (1).
Genome position (GRCh38, 1-based): chr10:63,184,721, T>C on the plus strand (A>G on the coding strand, the complement: JMJD1C is on the minus strand). VCF-style: chr10-63184721-T-C. GRCh37 (hg19) VCF-style: chr10-64944481-T-C.
Other names: c.6302A>G, p.Lys2101Arg (NM_001282948.2, NM_001318154.2); c.5984A>G, p.Lys1995Arg (NM_001318153.2); c.6734A>G, p.Lys2245Arg (NM_001322252.2); c.6191A>G, p.Lys2064Arg (NM_001322254.2, NM_001322258.2); short protein forms K2101R, K1995R, K2064R, K2245R, K2283R.
Identifiers: ClinVar variation 2894107 (VCV002894107.3), dbSNP rs1030637355, ClinGen allele CA208352348.